The following is an entry in ClinVar:

NM_005247.4(FGF3):c.585G>T (p.Gln195His)

Gene: FGF3 (fibroblast growth factor 3; minus strand). Cytogenetic location: 11q13.3.
Variant type: single nucleotide variant.
Coding change: c.585G>T on transcript NM_005247.4 (MANE Select); coding-DNA position 585, G replaced by T.
Protein change: p.Gln195His; replaces glutamine 195 with histidine.
Molecular consequence: missense variant.
Genome position (GRCh38, 1-based): chr11:69,810,440, C>A on the plus strand (G>T on the coding strand, the complement: FGF3 is on the minus strand). VCF-style: chr11-69810440-C-A. GRCh37 (hg19) VCF-style: chr11-69625208-C-A.
Other names: short protein forms Q195H.
Identifiers: ClinVar variation 3903330 (VCV003903330.2).

ClinVar aggregate classification (germline): Uncertain significance. Review status: criteria provided, multiple submitters, no conflicts (2 of 4 stars). 2 submissions from 2 submitters: Uncertain significance (2). Last evaluated 2025-04-20.

Conditions:
Inborn genetic diseases. Identifiers: MedGen C0950123, MeSH D030342.

gnomAD v4.1: 126 of 1,593,840 alleles (0.0079%); highest among the groups gnomAD compares: East Asian, 0.28%; no homozygotes.

Submissions (2):

Ambry Genetics
Classification: Uncertain significance for Inborn genetic diseases. Last evaluated: 2025-04-20. Review status: criteria provided, single submitter. Criteria: Ambry Variant Classification Scheme 2023. Collection method: clinical testing. Allele origin: germline.

GeneDx
Classification: Uncertain significance. Last evaluated: 2024-12-12. Review status: criteria provided, single submitter. Criteria: GeneDx Variant Classification Process June 2021. Collection method: clinical testing. Allele origin: germline. Affected: yes.
Comment: In silico analysis indicates that this missense variant does not alter protein structure/function; Has not been previously published as pathogenic or benign to our knowledge